The following is an entry in ClinVar:

NM_032043.3(BRIP1):c.2094C>G (p.Tyr698Ter)

Gene: BRIP1 (BRCA1 interacting DNA helicase 1; minus strand). Cytogenetic location: 17q23.2.
Variant type: single nucleotide variant.
Coding change: c.2094C>G on transcript NM_032043.3 (MANE Select); coding-DNA position 2094, C replaced by G.
Protein change: p.Tyr698Ter; replaces tyrosine 698 with a stop codon.
Molecular consequence: nonsense.
Genome position (GRCh38, 1-based): chr17:61,776,404, G>C on the plus strand (C>G on the coding strand, the complement: BRIP1 is on the minus strand). VCF-style: chr17-61776404-G-C. GRCh37 (hg19) VCF-style: chr17-59853765-G-C.
Other names: c.2094C>G (NM_032043.2); short protein forms Y698*.
Identifiers: ClinVar variation 1369534 (VCV001369534.8), dbSNP rs1603328406, ClinGen allele CA400477967.

ClinVar aggregate classification (germline): Pathogenic. Review status: criteria provided, multiple submitters, no conflicts (2 of 4 stars). 2 submissions from 2 submitters: Pathogenic (2). Last evaluated 2023-11-16.

Conditions:
Hereditary cancer-predisposing syndrome. Also called: Hereditary neoplastic syndrome; Hereditary Cancer Syndrome; Neoplastic Syndromes, Hereditary; Tumor predisposition. Identifiers: Orphanet 140162, MedGen C0027672, MeSH D009386, MONDO:0015356.
Fanconi anemia complementation group J. Also called: BRIP1-Related Fanconi Anemia. Identifiers: Orphanet 84, MedGen C1836860, MONDO:0012187, OMIM 609054.
Familial cancer of breast. Also called: Hereditary breast cancer; BREAST CANCER, FAMILIAL; hereditary breast carcinoma. Identifiers: Orphanet 227535, MedGen C0346153, MONDO:0016419, OMIM 114480. Disease mechanism: loss of function.

Submissions (2):

Ambry Genetics
Classification: Pathogenic for Hereditary cancer-predisposing syndrome. Last evaluated: 2023-11-16. Review status: criteria provided, single submitter. Criteria: Ambry Variant Classification Scheme 2023. Collection method: clinical testing. Allele origin: germline.
Comment: The p.Y698* pathogenic mutation (also known as c.2094C>G), located in coding exon 13 of the BRIP1 gene, results from a C to G substitution at nucleotide position 2094. This changes the amino acid from a tyrosine to a stop codon within coding exon 13. This alteration is expected to result in loss of function by premature protein truncation or nonsense-mediated mRNA decay. As such, this alteration is interpreted as a disease-causing mutation.

Labcorp Genetics (formerly Invitae), Labcorp
Classification: Pathogenic for Familial cancer of breast; Fanconi anemia complementation group J. Last evaluated: 2021-08-23. Review status: criteria provided, single submitter. Criteria: Invitae Variant Classification Sherloc (09022015). Collection method: clinical testing. Allele origin: germline.
Comment: For these reasons, this variant has been classified as Pathogenic. Algorithms developed to predict the effect of sequence changes on RNA splicing suggest that this variant may create or strengthen a splice site, but this prediction has not been confirmed by published transcriptional studies. This variant has not been reported in the literature in individuals with BRIP1-related conditions. This variant is not present in population databases (ExAC no frequency). This sequence change creates a premature translational stop signal (p.Tyr698*) in the BRIP1 gene. It is expected to result in an absent or disrupted protein product. Loss-of-function variants in BRIP1 are known to be pathogenic (PMID: 16116423, 17033622, 21964575).

Literature cited by the submitters: PubMed 16116423 (cited by Labcorp Genetics (formerly Invitae), Labcorp); PubMed 17033622 (cited by Labcorp Genetics (formerly Invitae), Labcorp); PubMed 21964575 (cited by Labcorp Genetics (formerly Invitae), Labcorp).